The following is an entry in ClinVar:

ClinVar aggregate classification (germline): Pathogenic/Likely pathogenic. Review status: criteria provided, multiple submitters, no conflicts (2 of 4 stars). 3 submissions from 3 submitters: Pathogenic (1); Likely pathogenic (2). Last evaluated 2025-10-22.

Conditions:
Arterial calcification, generalized, of infancy, 2. Identifiers: Orphanet 51608, MedGen C3276161, MONDO:0013768, OMIM 614473.
Autosomal recessive inherited pseudoxanthoma elasticum (PXE). Identifiers: Orphanet 758, MedGen CN032334, MONDO:0009925, OMIM 264800.
Pseudoxanthoma elasticum, forme fruste. Also called: PSEUDOXANTHOMA ELASTICUM, HETEROZYGOUS; Pseudoxanthoma Elasticum, Incomplete. Identifiers: Orphanet 758, MedGen C1867450, MONDO:0008333, OMIM 177850.
ABCC6-related disorder. Also called: ABCC6-related condition.

Allele frequency attached by ClinVar (database versions not stated): gnomAD exomes 0.00003; TOPMed 0.00004; gnomAD 0.00006 and 0.00007; ESP Exome Variant Server 0.00008; ExAC 0.00010.
gnomAD v4.1: 20 of 1,554,378 alleles (0.0013%); highest among the groups gnomAD compares: African/African-American, 0.023%; no homozygotes.

Submissions (3):

Labcorp Genetics (formerly Invitae), Labcorp
Classification: Pathogenic. Last evaluated: 2025-10-22. Review status: criteria provided, single submitter. Criteria: Invitae Variant Classification Sherloc (09022015). Collection method: clinical testing. Allele origin: germline.
Comment: This sequence change replaces glycine, which is neutral and non-polar, with aspartic acid, which is acidic and polar, at codon 1296 of the ABCC6 protein (p.Gly1296Asp). The frequency data for this variant in the population databases is considered unreliable, as metrics indicate poor data quality at this position in the gnomAD database. This missense change has been observed in individual(s) with pseudoxanthoma elasticum (PMID: 23572048). In at least one individual the data is consistent with being in trans (on the opposite chromosome) from a pathogenic variant. It has also been observed to segregate with disease in related individuals. ClinVar contains an entry for this variant (Variation ID: 1456552). Invitae Evidence Modeling of protein sequence and biophysical properties (such as structural, functional, and spatial information, amino acid conservation, physicochemical variation, residue mobility, and thermodynamic stability) indicates that this missense variant is expected to disrupt ABCC6 protein function with a positive predictive value of 95%. For these reasons, this variant has been classified as Pathogenic.

PreventionGenetics, part of Exact Sciences
Classification: Likely pathogenic for ABCC6-related condition. Last evaluated: 2023-08-25. Review status: criteria provided, single submitter. Criteria: ACMG Guidelines, 2015. Collection method: clinical testing. Allele origin: germline.
Comment: The ABCC6 c.3887G>A variant is predicted to result in the amino acid substitution p.Gly1296Asp. This variant has been reported in individuals with pseudoxanthoma elasticum (Table 1, Faria et al. 2013. PubMed ID: 23572048; Table S2, Nollet et al. 2021. PubMed ID: 33820832; Table S1, Saeidian et al. 2021. PubMed ID: 34906475). This variant is reported in 0.040% of alleles in individuals of African descent in gnomAD. This variant is interpreted as likely pathogenic.

Fulgent Genetics
Classification: Likely pathogenic for Pseudoxanthoma elasticum, forme fruste; Autosomal recessive inherited pseudoxanthoma elasticum; Arterial calcification, generalized, of infancy, 2. Last evaluated: 2021-12-15. Review status: criteria provided, single submitter. Criteria: ACMG Guidelines, 2015. Collection method: clinical testing. Allele origin: unknown.

Literature cited by the submitters: PubMed 23572048 (cited by Labcorp Genetics (formerly Invitae), Labcorp).

NM_001171.6(ABCC6):c.3887G>A (p.Gly1296Asp)

Gene: ABCC6 (ATP binding cassette subfamily C member 6; minus strand). Cytogenetic location: 16p13.11.
Variant type: single nucleotide variant.
Coding change: c.3887G>A on transcript NM_001171.6 (MANE Select); coding-DNA position 3887, G replaced by A.
Protein change: p.Gly1296Asp; replaces glycine 1296 with aspartic acid.
Molecular consequence: missense variant. On other transcripts: non-coding transcript variant (1).
Genome position (GRCh38, 1-based): chr16:16,155,027, C>T on the plus strand (G>A on the coding strand, the complement: ABCC6 is on the minus strand). VCF-style: chr16-16155027-C-T. GRCh37 (hg19) VCF-style: chr16-16248884-C-T.
Other names: c.3545G>A, p.Gly1182Asp (NM_001351800.1); c.3887G>A (NM_001171.5); short protein forms G1296D, G1182D.
Identifiers: ClinVar variation 1456552 (VCV001456552.7), dbSNP rs374086268, ClinGen allele CA7925379.